The following is an entry in ClinVar:

NM_023067.4(FOXL2):c.1018_1021dup (p.Pro341fs)

Gene: FOXL2 (forkhead box L2; minus strand). Cytogenetic location: 3q22.3.
Variant type: Microsatellite.
Coding change: c.1018_1021dup on transcript NM_023067.4 (MANE Select); coding-DNA positions 1018 to 1021, 4 bases duplicated (GCGC; older notation c.1018_1021dupGCGC).
Protein change: p.Pro341fs; shifts the reading frame from proline 341.
Molecular consequence: frameshift variant.
Genome position (GRCh38, 1-based): chr3:138,945,702-138,945,705, GCGC duplicated on the plus strand (GCGC on the coding strand, the reverse complement: FOXL2 is on the minus strand). VCF-style (leftmost placement, unchanged base first): chr3-138945701-G-GGCGC. GRCh37 (hg19) VCF-style: chr3-138664543-G-GGCGC.
Other names: short protein forms P341fs.
Identifiers: ClinVar variation 2709291 (VCV002709291.3), dbSNP rs2473811333, ClinGen allele CA2697556888.

ClinVar aggregate classification (germline): Likely pathogenic (1 of 4 stars; one submission).

Submission:

Labcorp Genetics (formerly Invitae), Labcorp
Classification: Likely pathogenic. Last evaluated: 2024-01-13. Review status: criteria provided, single submitter. Criteria: Invitae Variant Classification Sherloc (09022015). Collection method: clinical testing. Allele origin: germline.
Comment: This sequence change results in a frameshift in the FOXL2 gene (p.Pro341Argfs*194). While this is not anticipated to result in nonsense mediated decay, it is expected to disrupt the last 36 amino acid(s) of the FOXL2 protein and extend the protein by 157 additional amino acid residues. This variant is not present in population databases (gnomAD no frequency). This variant has not been reported in the literature in individuals affected with FOXL2-related conditions. This variant disrupts the C-terminus of the FOXL2 protein. Other variant(s) that disrupt this region (p.*377Leuext*156, p.Glu352Aspfs*4, p.Leu376Profs*154) have been observed in individuals with FOXL2-related conditions (PMID: 12529855, 18642388). This suggests that this may be a clinically significant region of the protein. In summary, the currently available evidence indicates that the variant is pathogenic, but additional data are needed to prove that conclusively. Therefore, this variant has been classified as Likely Pathogenic.

Literature cited by the submitters: PubMed 12529855; PubMed 18642388.